The following is an entry in ClinVar:

ClinVar aggregate classification (germline): Conflicting classifications of pathogenicity. Review status: criteria provided, conflicting classifications (1 of 4 stars). 2 submissions from 2 submitters: Pathogenic (1); Uncertain significance (1). Last evaluated 2025-08-26.

Conditions:
Malignant hyperthermia, susceptibility to, 1 (MHS1). Also called: RYR1-Related Malignant Hyperthermia Susceptibility; Malignant hyperthermia suceptibility 1; Anesthesia related hyperthermia; Malignant hyperpyrexia; Fulminating hyperpyrexia; Pharmacogenic myopathy. Identifiers: Orphanet 423, MedGen C2930980, MONDO:0007783, OMIM 145600.
RYR1-related disorder. Also called: RYR1-related disorders; RYR1-related condition. Identifiers: MedGen CN239331.

Allele frequency attached by ClinVar (database versions not stated): gnomAD exomes 0.00001.
gnomAD v4.1: 6 of 1,614,258 alleles (0.00037%); highest among the groups gnomAD compares: Non-Finnish European, 0.00051%; no homozygotes.

Submissions (2):

Color Diagnostics, LLC DBA Color Health
Classification: Uncertain significance for Malignant hyperthermia, susceptibility to, 1. Last evaluated: 2025-08-26. Review status: criteria provided, single submitter. Criteria: ACMG Guidelines, 2015. Collection method: clinical testing. Allele origin: germline.
Comment: This variant changes 1 nucleotide in exon 36 of the RYR1 gene, creating a premature translation stop signal. This variant is expected to result in an absent or non-functional protein product. This variant has not been identified in the general population by the Genome Aggregation Database (gnomAD). Loss of RYR1 function due to truncation variants is not an established disease mechanism for autosomal dominant malignant hyperthermia, although it is associated with other phenotype(s) (ClinVar Variation ID: 2736876). Therefore, this variant is classified as a Variant of Uncertain Significance for autosomal dominant malignant hyperthermia.

Labcorp Genetics (formerly Invitae), Labcorp
Classification: Pathogenic for RYR1-related disorder. Last evaluated: 2024-01-22. Review status: criteria provided, single submitter. Criteria: Invitae Variant Classification Sherloc (09022015). Collection method: clinical testing. Allele origin: germline.
Comment: This sequence change creates a premature translational stop signal (p.Gln1970*) in the RYR1 gene. It is expected to result in an absent or disrupted protein product. Loss-of-function variants in RYR1 are known to be pathogenic (PMID: 23919265, 25960145, 28818389, 30611313). This variant is not present in population databases (gnomAD no frequency). This premature translational stop signal has been observed in individual(s) with autosomal recessive RYR1-associated myopathy (PMID: 22473935). For these reasons, this variant has been classified as Pathogenic.

Literature cited by the submitters: PubMed 23919265 (cited by Labcorp Genetics (formerly Invitae), Labcorp); PubMed 25960145 (cited by Labcorp Genetics (formerly Invitae), Labcorp); PubMed 28818389 (cited by Labcorp Genetics (formerly Invitae), Labcorp); PubMed 30611313 (cited by Labcorp Genetics (formerly Invitae), Labcorp); PubMed 22473935 (cited by Labcorp Genetics (formerly Invitae), Labcorp).

NM_000540.3(RYR1):c.5908C>T (p.Gln1970Ter)

Gene: RYR1 (ryanodine receptor 1; plus strand). Cytogenetic location: 19q13.2.
Variant type: single nucleotide variant.
Coding change: c.5908C>T on transcript NM_000540.3 (MANE Select); coding-DNA position 5908, C replaced by T.
Protein change: p.Gln1970Ter; replaces glutamine 1970 with a stop codon.
Molecular consequence: nonsense.
Genome position (GRCh38, 1-based): chr19:38,490,169, C>T. VCF-style: chr19-38490169-C-T. GRCh37 (hg19) VCF-style: chr19-38980809-C-T.
Other names: c.5908C>T, p.Gln1970Ter (NM_001042723.2); short protein forms Q1970*.
Identifiers: ClinVar variation 2736876 (VCV002736876.4), dbSNP rs2514251900, ClinGen allele CA405660465.